The following is an entry in ClinVar:

ClinVar aggregate classification (germline): Benign/Likely benign. Review status: criteria provided, multiple submitters, no conflicts (2 of 4 stars). 16 submissions from 15 submitters: Benign (7); Likely benign (6). 3 of the submissions do not count toward it. Last evaluated 2026-07-01.

Conditions:
NOTCH1-related disorder. Also called: NOTCH1-related disorders; NOTCH1-related condition.
Connective tissue disorder. Also called: Connective tissue disease. Identifiers: MedGen C0009782, MONDO:0003900.
Adams-Oliver syndrome 5 (AOS5). Identifiers: Orphanet 974, MedGen C4014970, MONDO:0014459, OMIM 616028.
Familial thoracic aortic aneurysm and aortic dissection (TAAD). Also called: Thoracic aortic aneurysms and dissections. Identifiers: Orphanet 91387, MedGen C4707243, MONDO:0019625.
Aortic valve disease 1 (AOVD1). Identifiers: MedGen C3887892, MONDO:0024523, OMIM 109730.

Allele frequency attached by ClinVar (database versions not stated): 1000 Genomes Project 30x 0.00125; 1000 Genomes Project 0.00140; gnomAD 0.00235 and 0.00236; ExAC 0.00256; gnomAD exomes 0.00257; TOPMed 0.00271; ESP Exome Variant Server 0.00423.

Submissions (16):

CeGaT Center for Human Genetics Tuebingen
Classification: Likely benign. Last evaluated: 2026-07-01. Review status: criteria provided, single submitter. Criteria: CeGaT Center For Human Genetics Tuebingen Variant Classification Criteria Version 2. Collection method: clinical testing. Allele origin: germline. Affected: yes. Observed: 14 variant alleles.
Comment: NOTCH1: BP4, BP7, BS2

Labcorp Genetics (formerly Invitae), Labcorp
Classification: Benign for Adams-Oliver syndrome 5. Last evaluated: 2026-02-02. Review status: criteria provided, single submitter. Criteria: Invitae Variant Classification Sherloc (09022015). Collection method: clinical testing. Allele origin: germline.

Mayo Clinic Laboratories, Mayo Clinic
Classification: Likely benign. Last evaluated: 2025-06-30. Review status: criteria provided, single submitter. Criteria: ACMG Guidelines, 2015. Collection method: clinical testing. Allele origin: germline. Observed: 8 variant alleles.
Comment: BS1, BP4, BP7

ARUP Laboratories, Molecular Genetics and Genomics, ARUP Laboratories
Classification: Benign. Last evaluated: 2025-05-01. Review status: criteria provided, single submitter. Criteria: ARUP Molecular Germline Variant Investigation Process 2024. Collection method: clinical testing. Allele origin: germline.

Blueprint Genetics
Classification: Benign. Last evaluated: 2024-11-22. Review status: criteria provided, single submitter. Criteria: ACMG Guidelines, 2015. Collection method: clinical testing. Allele origin: germline.

Women's Health and Genetics/Laboratory Corporation of America, LabCorp
Classification: Benign. Last evaluated: 2023-07-21. Review status: criteria provided, single submitter. Criteria: LabCorp Variant Classification Summary - May 2015. Collection method: clinical testing. Allele origin: germline.

Genome-Nilou Lab
Classification: Benign for Adams-Oliver syndrome 5. Last evaluated: 2022-03-15. Review status: criteria provided, single submitter. Criteria: ACMG Guidelines, 2015. Collection method: clinical testing. Allele origin: germline. Affected: no.

Genome-Nilou Lab
Classification: Benign for Aortic valve disease 1. Last evaluated: 2022-03-15. Review status: criteria provided, single submitter. Criteria: ACMG Guidelines, 2015. Collection method: clinical testing. Allele origin: germline. Affected: no.

Center for Human Genetics, Inc
Classification: Likely benign for Connective tissue disorder. Last evaluated: 2016-11-01. Review status: criteria provided, single submitter. Criteria: ACMG Guidelines, 2015. Collection method: clinical testing. Allele origin: germline. Affected: yes.

GeneDx
Classification: Benign. Last evaluated: 2016-10-11. Review status: criteria provided, single submitter. Criteria: GeneDx Variant Classification (06012015). Collection method: clinical testing. Allele origin: germline. Affected: yes.
Comment: This variant is considered likely benign or benign based on one or more of the following criteria: it is a conservative change, it occurs at a poorly conserved position in the protein, it is predicted to be benign by multiple in silico algorithms, and/or has population frequency not consistent with disease.

Eurofins Ntd Llc (ga)
Classification: Likely benign. Last evaluated: 2016-02-05. Review status: criteria provided, single submitter. Criteria: EGL Classification Definitions 2015. Collection method: clinical testing. Allele origin: germline. Observed: 1 variant allele, 1 heterozygote.

Ambry Genetics
Classification: Likely benign for Familial thoracic aortic aneurysm and aortic dissection. Last evaluated: 2015-10-26. Review status: criteria provided, single submitter. Criteria: Ambry Variant Classification Scheme 2023. Collection method: clinical testing. Allele origin: germline.

Breakthrough Genomics
Classification: Likely benign. Review status: criteria provided, single submitter. Criteria: ACMG Guidelines, 2015. Collection method: not provided. Allele origin: germline. Inheritance: Autosomal dominant inheritance. Affected: yes.

PreventionGenetics, part of Exact Sciences
Classification: Benign for NOTCH1-related condition. Last evaluated: 2019-06-10. Review status: no assertion criteria provided. Collection method: clinical testing. Allele origin: germline. Not counted in ClinVar's aggregate classification.
Comment: This variant is classified as benign based on ACMG/AMP sequence variant interpretation guidelines (Richards et al. 2015 PMID: 25741868, with internal and published modifications).

Clinical Genetics DNA and cytogenetics Diagnostics Lab, Erasmus MC, Erasmus Medical Center
Classification: Likely benign. Review status: no assertion criteria provided. Collection method: clinical testing. Allele origin: germline. Affected: yes. Study: VKGL Data-share Consensus. Not counted in ClinVar's aggregate classification.

Genome Diagnostics Laboratory, Amsterdam University Medical Center
Classification: Benign. Review status: no assertion criteria provided. Collection method: clinical testing. Allele origin: germline. Affected: yes. Study: VKGL Data-share Consensus. Not counted in ClinVar's aggregate classification.

Literature cited by the submitters: PubMed 24943832 (cited by Women's Health and Genetics/Laboratory Corporation of America, LabCorp); PubMed 16614245 (cited by Women's Health and Genetics/Laboratory Corporation of America, LabCorp); PubMed 21670202 (cited by Women's Health and Genetics/Laboratory Corporation of America, LabCorp); PubMed 22210878 (cited by Women's Health and Genetics/Laboratory Corporation of America, LabCorp); PubMed 19635999 (cited by Women's Health and Genetics/Laboratory Corporation of America, LabCorp); PubMed 26837699 (cited by Women's Health and Genetics/Laboratory Corporation of America, LabCorp); PubMed 23086750 (cited by Women's Health and Genetics/Laboratory Corporation of America, LabCorp); PubMed 19245433 (cited by Women's Health and Genetics/Laboratory Corporation of America, LabCorp); PubMed 22077063 (cited by Women's Health and Genetics/Laboratory Corporation of America, LabCorp); PubMed 15472075 (cited by Women's Health and Genetics/Laboratory Corporation of America, LabCorp); PubMed 23734977 (cited by Women's Health and Genetics/Laboratory Corporation of America, LabCorp); PubMed 22858860 (cited by Women's Health and Genetics/Laboratory Corporation of America, LabCorp).

NM_017617.5(NOTCH1):c.5988G>A (p.Thr1996=)

Genes: NOTCH1 (notch receptor 1; minus strand), LOC126860794 (BRD4-independent group 4 enhancer GRCh37_chr9:139392592-139393791; plus strand). Cytogenetic location: 9q34.3.
Variant type: single nucleotide variant.
Coding change: c.5988G>A on transcript NM_017617.5 (MANE Select); coding-DNA position 5988, G replaced by A.
Protein change: p.Thr1996=; no amino-acid change (threonine 1996 retained).
Molecular consequence: synonymous variant.
Genome position (GRCh38, 1-based): chr9:136,499,206, C>T on the plus strand (G>A on the coding strand, the complement: NOTCH1 is on the minus strand). VCF-style: chr9-136499206-C-T. GRCh37 (hg19) VCF-style: chr9-139393658-C-T.
Other names: p.Thr1996=; c.5988G>A (NM_017617.4); c.5988G>A, p.Thr1996= (LRG_1122t1).
Identifiers: ClinVar variation 241157 (VCV000241157.88), dbSNP rs186453356, ClinGen allele CA5340066.
Genomic context (GRCh38, chr9:136,499,206, plus strand): 5'-GTTGATGAGGTCCTCCAGCATGCCCTCCACGGCCAGGCGGGCAGCCAGGATCAGTGGCGT[C>T]GTGCCATCATGCATGCGGGCATCCAGGTCTGTGGCTCGGTTCCGGATCAGGATCTGGGCA-3'
Protein context (NP_060087.3, residues 1986-2006): TDLDARMHDG[Thr1996=]TPLILAARLA